The following is an entry in ClinVar:

NM_007214.5(SEC63):c.1120_1121del (p.Val374fs)

Gene: SEC63 (SEC63 protein translocation regulator; minus strand). Cytogenetic location: 6q21.
Variant type: Deletion.
Coding change: c.1120_1121del on transcript NM_007214.5 (MANE Select); coding-DNA positions 1120 to 1121, 2 bases deleted (GT; older notation c.1120_1121delGT).
Protein change: p.Val374fs; shifts the reading frame from valine 374.
Molecular consequence: frameshift variant.
Genome position (GRCh38, 1-based): chr6:107,902,932-107,902,933, AC deleted on the plus strand (GT on the coding strand, the reverse complement: SEC63 is on the minus strand). VCF-style (leftmost placement, unchanged base first): chr6-107902931-AAC-A. GRCh37 (hg19) VCF-style: chr6-108224135-AAC-A.
Other names: short protein forms V374fs.
Identifiers: ClinVar variation 5019422 (VCV005019422.2).

ClinVar aggregate classification (germline): Likely pathogenic (1 of 4 stars; one submission).

Conditions:
Polycystic liver disease 2 (PCLD2). Also called: Polycystic liver disease 2 with or without kidney cysts. Identifiers: Orphanet 2924, MedGen C4310769, MONDO:0014860, OMIM 617004.

Submission:

Juno Genomics, Hangzhou Juno Genomics, Inc
Classification: Likely pathogenic for Polycystic liver disease 2. Review status: criteria provided, single submitter. Criteria: ACMG Guidelines, 2015. Collection method: clinical testing. Allele origin: germline.
Comment: Absent from controls (or at extremely low frequency if recessive) in Genome Aggregation Database.;Null variant in a gene where loss of function (LOF) is a known mechanism of disease.